The following is an entry in ClinVar:

ClinVar aggregate classification (germline): Benign/Likely benign. Review status: criteria provided, multiple submitters, no conflicts (2 of 4 stars). 6 submissions from 6 submitters: Benign (4); Likely benign (2). Last evaluated 2026-01-19.

Conditions:
Nephrotic syndrome, type 3 (NPHS3). Also called: NEPHROTIC SYNDROME, EARLY-ONSET, TYPE 3. Identifiers: Orphanet 656, MedGen C1853124, MONDO:0012546, OMIM 610725.
Focal segmental glomerulosclerosis (FSGS). Also called: Glomerulosclerosis, focal; Focal sclerosis with hyalinosis. Identifiers: MedGen C0017668, MONDO:0100313, HP:0000097. Disease mechanism: loss of function.

Allele frequency attached by ClinVar (database versions not stated): gnomAD exomes 0.00279; 1000 Genomes Project 0.01358; ExAC 0.00304; gnomAD 0.00977 and 0.00919; ESP Exome Variant Server 0.00863; TOPMed 0.00883; 1000 Genomes Project 30x 0.01359.

Submissions (6):

Labcorp Genetics (formerly Invitae), Labcorp
Classification: Benign. Last evaluated: 2026-01-19. Review status: criteria provided, single submitter. Criteria: Invitae Variant Classification Sherloc (09022015). Collection method: clinical testing. Allele origin: germline.

GeneDx
Classification: Likely benign. Last evaluated: 2021-11-20. Review status: criteria provided, single submitter. Criteria: GeneDx Variant Classification Process June 2021. Collection method: clinical testing. Allele origin: germline. Affected: yes.
Comment: See Variant Classification Assertion Criteria.

Genome Diagnostics Laboratory, The Hospital for Sick Children
Classification: Benign for Focal segmental glomerulosclerosis. Last evaluated: 2021-10-18. Review status: criteria provided, single submitter. Criteria: ACMG Guidelines, 2015. Collection method: clinical testing. Allele origin: germline.

Fulgent Genetics
Classification: Likely benign for Nephrotic syndrome, type 3. Last evaluated: 2021-10-04. Review status: criteria provided, single submitter. Criteria: ACMG Guidelines, 2015. Collection method: clinical testing. Allele origin: unknown.

Illumina Laboratory Services, Illumina
Classification: Benign for Nephrotic syndrome, type 3. Last evaluated: 2018-01-13. Review status: criteria provided, single submitter. Criteria: ICSL Variant Classification Criteria 13 December 2019. Collection method: clinical testing. Allele origin: germline.
Comment: This variant was observed in the ICSL laboratory as part of a predisposition screen in an ostensibly healthy population. It had not been previously curated by ICSL or reported in the Human Gene Mutation Database (HGMD: prior to June 1st, 2018), and was therefore a candidate for classification through an automated scoring system. Utilizing variant allele frequency, disease prevalence and penetrance estimates, and inheritance mode, an automated score was calculated to assess if this variant is too frequent to cause the disease. Based on the score and internal cut-off values, a variant classified as benign is not then subjected to further curation. The score for this variant resulted in a classification of benign for this disease.

PreventionGenetics, part of Exact Sciences
Classification: Benign. Review status: criteria provided, single submitter. Criteria: ACMG Guidelines, 2015. Collection method: clinical testing. Allele origin: germline.

NM_016341.4(PLCE1):c.4059C>T (p.Phe1353=)

Gene: PLCE1 (phospholipase C epsilon 1; plus strand). Cytogenetic location: 10q23.33.
Variant type: single nucleotide variant.
Coding change: c.4059C>T on transcript NM_016341.4 (MANE Select); coding-DNA position 4059, C replaced by T.
Protein change: p.Phe1353=; no amino-acid change (phenylalanine 1353 retained).
Molecular consequence: synonymous variant.
Genome position (GRCh38, 1-based): chr10:94,265,652, C>T. VCF-style: chr10-94265652-C-T. GRCh37 (hg19) VCF-style: chr10-96025409-C-T.
Other names: c.3135C>T, p.Phe1045= (NM_001165979.2); c.4011C>T, p.Phe1337= (NM_001288989.2).
Identifiers: ClinVar variation 260718 (VCV000260718.19), dbSNP rs61751499, ClinGen allele CA5613058.